The following is an entry in ClinVar:

NM_000233.4(LHCGR):c.1985A>G (p.Asn662Ser)

Genes: LHCGR (luteinizing hormone/choriogonadotropin receptor; minus strand), STON1-GTF2A1L (STON1-GTF2A1L readthrough; plus strand). Cytogenetic location: 2p16.3.
Variant type: single nucleotide variant.
Coding change: c.1985A>G on transcript NM_000233.4 (MANE Select); coding-DNA position 1985, A replaced by G.
Protein change: p.Asn662Ser; replaces asparagine 662 with serine.
Molecular consequence: missense variant. On other transcripts: intron variant (1).
Genome position (GRCh38, 1-based): chr2:48,687,812, T>C on the plus strand (A>G on the coding strand, the complement: LHCGR is on the minus strand). VCF-style: chr2-48687812-T-C. GRCh37 (hg19) VCF-style: chr2-48914951-T-C.
Other names: c.3441+16132T>C (NM_001198593.2); short protein forms N662S.
Identifiers: ClinVar variation 3624387 (VCV003624387.1).

ClinVar aggregate classification (germline): Uncertain significance (1 of 4 stars; one submission).

gnomAD v4.1: 127 of 1,614,098 alleles (0.0079%); highest among the groups gnomAD compares: South Asian, 0.019%; no homozygotes.

Submission:

Labcorp Genetics (formerly Invitae), Labcorp
Classification: Uncertain significance. Last evaluated: 2024-06-26. Review status: criteria provided, single submitter. Criteria: Invitae Variant Classification Sherloc (09022015). Collection method: clinical testing. Allele origin: germline.
Comment: This sequence change replaces asparagine, which is neutral and polar, with serine, which is neutral and polar, at codon 662 of the LHCGR protein (p.Asn662Ser). This variant is present in population databases (rs200467316, gnomAD 0.02%). This variant has not been reported in the literature in individuals affected with LHCGR-related conditions. Advanced modeling of protein sequence and biophysical properties (such as structural, functional, and spatial information, amino acid conservation, physicochemical variation, residue mobility, and thermodynamic stability) performed at Invitae indicates that this missense variant is not expected to disrupt LHCGR protein function with a negative predictive value of 95%. In summary, the available evidence is currently insufficient to determine the role of this variant in disease. Therefore, it has been classified as a Variant of Uncertain Significance.